The following is an entry in ClinVar:

NM_001379291.1(BRD4):c.1790C>T (p.Pro597Leu)

Gene: BRD4 (bromodomain containing 4; minus strand). Cytogenetic location: 19p13.12.
Variant type: single nucleotide variant.
Coding change: c.1790C>T on transcript NM_001379291.1 (MANE Select); coding-DNA position 1790, C replaced by T.
Protein change: p.Pro597Leu; replaces proline 597 with leucine.
Molecular consequence: missense variant.
Genome position (GRCh38, 1-based): chr19:15,255,554, G>A on the plus strand (C>T on the coding strand, the complement: BRD4 is on the minus strand). VCF-style: chr19-15255554-G-A. GRCh37 (hg19) VCF-style: chr19-15366365-G-A.
Other names: c.1790C>T, p.Pro597Leu (NM_001330384.2, NM_001379292.1, NM_014299.3 and 1 more transcripts); short protein forms P597L.
Identifiers: ClinVar variation 3707621 (VCV003707621.2).

ClinVar aggregate classification (germline): Uncertain significance (1 of 4 stars; one submission).

gnomAD v4.1: 3 of 1,610,950 alleles (0.00019%); highest among the groups gnomAD compares: Admixed American, 0.005%; no homozygotes.

Submission:

Labcorp Genetics (formerly Invitae), Labcorp
Classification: Uncertain significance. Last evaluated: 2024-04-15. Review status: criteria provided, single submitter. Criteria: Invitae Variant Classification Sherloc (09022015). Collection method: clinical testing. Allele origin: germline.
Comment: This sequence change replaces proline, which is neutral and non-polar, with leucine, which is neutral and non-polar, at codon 597 of the BRD4 protein (p.Pro597Leu). This variant is present in population databases (no rsID available, gnomAD 0.009%). This variant has not been reported in the literature in individuals affected with BRD4-related conditions. An algorithm developed to predict the effect of missense changes on protein structure and function (PolyPhen-2) suggests that this variant is likely to be disruptive. In summary, the available evidence is currently insufficient to determine the role of this variant in disease. Therefore, it has been classified as a Variant of Uncertain Significance.